The following is an entry in ClinVar:

ClinVar aggregate classification (germline): Likely benign. Review status: criteria provided, multiple submitters, no conflicts (2 of 4 stars). 2 submissions from 2 submitters: Likely benign (2). Last evaluated 2026-05-08.

Conditions:
DST-related disorder. Also called: DST-related disorders; DST-related condition.
Epidermolysis bullosa simplex 3, localized or generalized intermediate, with BP230 deficiency (EBS3). Also called: Epidermolysis bullosa simplex, autosomal recessive 2; Epidermolysis bullosa simplex due to BP230 deficiency. Identifiers: Orphanet 412181, MedGen C3809470, MONDO:0014180, OMIM 615425.
Hereditary sensory and autonomic neuropathy type 6. Also called: HSAN VI; Neuropathy, hereditary sensory and autonomic, type VI. Identifiers: Orphanet 314381, MedGen C3539003, MONDO:0013839, OMIM 614653.

Allele frequency attached by ClinVar (database versions not stated): gnomAD exomes 0.00001 and 0.00003; ExAC 0.00002.
gnomAD v4.1: 14 of 1,612,184 alleles (0.00087%); highest among the groups gnomAD compares: Non-Finnish European, 0.0011%; no homozygotes.

Submissions (2):

PreventionGenetics, part of Exact Sciences
Classification: Likely benign for DST-related condition. Last evaluated: 2026-05-08. Review status: criteria provided, single submitter. Criteria: ACMG Guidelines, 2015. Collection method: clinical testing. Allele origin: germline.
Comment: This variant is classified as likely benign based on ACMG/AMP sequence variant interpretation guidelines (Richards et al. 2015 PMID: 25741868, with internal and published modifications).

Labcorp Genetics (formerly Invitae), Labcorp
Classification: Likely benign for Epidermolysis bullosa simplex 3, localized or generalized intermediate, with BP230 deficiency; Hereditary sensory and autonomic neuropathy type 6. Last evaluated: 2025-09-10. Review status: criteria provided, single submitter. Criteria: Invitae Variant Classification Sherloc (09022015). Collection method: clinical testing. Allele origin: germline.

NM_001374736.1(DST):c.15465A>G (p.Lys5155=)

Gene: DST (dystonin; minus strand). Cytogenetic location: 6p12.1.
Variant type: single nucleotide variant.
Coding change: c.15465A>G on transcript NM_001374736.1 (MANE Select); coding-DNA position 15465, A replaced by G.
Protein change: p.Lys5155=; no amino-acid change (lysine 5155 retained).
Molecular consequence: synonymous variant.
Genome position (GRCh38, 1-based): chr6:56,553,327, T>C on the plus strand (A>G on the coding strand, the complement: DST is on the minus strand). VCF-style: chr6-56553327-T-C. GRCh37 (hg19) VCF-style: chr6-56418125-T-C.
Other names: c.9108A>G (NM_001144769.2); c.9108A>G, p.Lys3036= (NM_001144769.5); c.8694A>G, p.Lys2898= (NM_001144770.2); c.15465A>G, p.Lys5155= (NM_001374722.1); c.14832A>G, p.Lys4944= (NM_001374729.1); c.8574A>G, p.Lys2858= (NM_001374730.1, NM_001386100.1, NM_183380.4); c.15492A>G, p.Lys5164= (NM_001374734.1); c.7596A>G, p.Lys2532= (NM_015548.5).
Identifiers: ClinVar variation 1584705 (VCV001584705.9), dbSNP rs764050980, ClinGen allele CA3867815.